The following is an entry in ClinVar:

ClinVar aggregate classification (germline): Likely benign. Review status: criteria provided, single submitter (1 of 4 stars). 2 submissions from 2 submitters: Likely benign (1). 1 of the submissions does not count toward it. Last evaluated 2025-06-13.

Conditions:
MASP1-related disorder. Also called: MASP1-related condition.
3MC syndrome 1. Also called: CRANIOSYNOSTOSIS WITH LID ANOMALIES; OCULOPALATOSKELETAL SYNDROME; MICHELS SYNDROME. Identifiers: Orphanet 293843, MedGen C0796059, MONDO:0009770, OMIM 257920.

Allele frequency attached by ClinVar (database versions not stated): 1000 Genomes Project 30x 0.00016; ExAC 0.00001; gnomAD exomes 0.00001; 1000 Genomes Project 0.00020; gnomAD 0.00004.
gnomAD v4.1: 15 of 1,606,218 alleles (0.00093%); highest among the groups gnomAD compares: African/African-American, 0.017%; no homozygotes.

Submissions (2):

Labcorp Genetics (formerly Invitae), Labcorp
Classification: Likely benign for 3MC syndrome 1. Last evaluated: 2025-06-13. Review status: criteria provided, single submitter. Criteria: Invitae Variant Classification Sherloc (09022015). Collection method: clinical testing. Allele origin: germline.

PreventionGenetics, part of Exact Sciences
Classification: Likely benign for MASP1-related condition. Last evaluated: 2020-09-30. Review status: no assertion criteria provided. Collection method: clinical testing. Allele origin: germline. Not counted in ClinVar's aggregate classification.
Comment: This variant is classified as likely benign based on ACMG/AMP sequence variant interpretation guidelines (Richards et al. 2015 PMID: 25741868, with internal and published modifications).

NM_139125.4(MASP1):c.1012-10C>A

Gene: MASP1 (MBL associated serine protease 1; minus strand). Cytogenetic location: 3q27.3.
Variant type: single nucleotide variant.
Coding change: c.1012-10C>A on transcript NM_139125.4 (MANE Select); 10 bases into the intron before coding-DNA position 1012, C replaced by A.
Molecular consequence: intron variant.
Genome position (GRCh38, 1-based): chr3:187,250,339, G>T on the plus strand (C>A on the coding strand, the complement: MASP1 is on the minus strand). VCF-style: chr3-187250339-G-T. GRCh37 (hg19) VCF-style: chr3-186968127-G-T.
Other names: c.1012-10C>A (NM_139125.3, NM_001031849.3, NM_001879.6).
Identifiers: ClinVar variation 2918045 (VCV002918045.5), dbSNP rs144990402, ClinGen allele CA2749427.
Genomic context (GRCh38, chr3:187,250,339, plus strand): 5'-CGTCCCATCCTTCAGACACTCAATCTGGAATGTGTCCATCTCCACATTATCCTGGGAAGA[G>T]ACAGGAAGAAGGGAGTGGGAAGAAGGAGGTGGGGGTGGTGTCAGGGGTTTTTTCCTAGCA-3'